The following is an entry in ClinVar:

ClinVar aggregate classification (germline): Uncertain significance (1 of 4 stars; one submission).

Conditions:
Norman-Roberts syndrome (LIS2). Also called: Lissencephaly 2 (Norman-Roberts type). Identifiers: Orphanet 89844, MedGen C0796089, MONDO:0009760, OMIM 257320.
Familial temporal lobe epilepsy 7. Identifiers: Orphanet 101046, MedGen C4225327, MONDO:0014639, OMIM 616436.

gnomAD v4.1: 2 of 1,613,724 alleles (0.00012%); highest among the groups gnomAD compares: African/African-American, 0.0027%; no homozygotes.

Submission:

Labcorp Genetics (formerly Invitae), Labcorp
Classification: Uncertain significance for Familial temporal lobe epilepsy 7; Norman-Roberts syndrome. Last evaluated: 2024-03-13. Review status: criteria provided, single submitter. Criteria: Invitae Variant Classification Sherloc (09022015). Collection method: clinical testing. Allele origin: germline.
Comment: This sequence change falls in intron 53 of the RELN gene. It does not directly change the encoded amino acid sequence of the RELN protein. It affects a nucleotide within the consensus splice site. This variant is not present in population databases (gnomAD no frequency). This variant has not been reported in the literature in individuals affected with RELN-related conditions. Variants that disrupt the consensus splice site are a relatively common cause of aberrant splicing (PMID: 17576681, 9536098). Algorithms developed to predict the effect of sequence changes on RNA splicing suggest that this variant is not likely to affect RNA splicing. In summary, the available evidence is currently insufficient to determine the role of this variant in disease. Therefore, it has been classified as a Variant of Uncertain Significance.

Literature cited by the submitters: PubMed 17576681; PubMed 9536098.

NM_005045.4(RELN):c.8667+6G>A

Genes: SLC26A5-AS1 (SLC26A5 antisense RNA 1; plus strand), RELN (reelin; minus strand). Cytogenetic location: 7q22.1.
Variant type: single nucleotide variant.
Coding change: c.8667+6G>A on transcript NM_005045.4 (MANE Select); 6 bases into the intron after coding-DNA position 8667, G replaced by A.
Molecular consequence: intron variant.
Genome position (GRCh38, 1-based): chr7:103,500,739, C>T on the plus strand (G>A on the coding strand, the complement: RELN is on the minus strand). VCF-style: chr7-103500739-C-T. GRCh37 (hg19) VCF-style: chr7-103141186-C-T.
Other names: c.8667+6G>A (NM_173054.3).
Identifiers: ClinVar variation 2922374 (VCV002922374.3), dbSNP rs770342200, ClinGen allele CA830785668.